The following is an entry in ClinVar:

ClinVar aggregate classification (germline): Uncertain significance. Review status: criteria provided, multiple submitters, no conflicts (2 of 4 stars). 2 submissions from 2 submitters: Uncertain significance (2). Last evaluated 2025-08-09.

Conditions:
Inborn genetic diseases. Identifiers: MedGen C0950123, MeSH D030342.

Allele frequency attached by ClinVar (database versions not stated): gnomAD 0.00002 and 0.00004; gnomAD exomes 0.00004 and 0.00006; TOPMed 0.00006.
gnomAD v4.1: 90 of 1,551,700 alleles (0.0058%); highest among the groups gnomAD compares: Admixed American, 0.012%; no homozygotes.

Submissions (2):

Ambry Genetics
Classification: Uncertain significance for Inborn genetic diseases. Last evaluated: 2025-08-09. Review status: criteria provided, single submitter. Criteria: Ambry Variant Classification Scheme 2023. Collection method: clinical testing. Allele origin: germline.

Labcorp Genetics (formerly Invitae), Labcorp
Classification: Uncertain significance. Last evaluated: 2022-10-17. Review status: criteria provided, single submitter. Criteria: Invitae Variant Classification Sherloc (09022015). Collection method: clinical testing. Allele origin: germline.
Comment: This sequence change replaces valine, which is neutral and non-polar, with isoleucine, which is neutral and non-polar, at codon 332 of the UNC80 protein (p.Val332Ile). This variant is present in population databases (no rsID available, gnomAD 0.008%). This variant has not been reported in the literature in individuals affected with UNC80-related conditions. ClinVar contains an entry for this variant (Variation ID: 1451059). Algorithms developed to predict the effect of missense changes on protein structure and function are either unavailable or do not agree on the potential impact of this missense change (SIFT: "Not Available"; PolyPhen-2: "Possibly Damaging"; Align-GVGD: "Not Available"). In summary, the available evidence is currently insufficient to determine the role of this variant in disease. Therefore, it has been classified as a Variant of Uncertain Significance.

NM_001371986.1(UNC80):c.994G>A (p.Val332Ile)

Gene: UNC80 (unc-80 subunit of NALCN channel complex; plus strand). Cytogenetic location: 2q34.
Variant type: single nucleotide variant.
Coding change: c.994G>A on transcript NM_001371986.1 (MANE Select); coding-DNA position 994, G replaced by A.
Protein change: p.Val332Ile; replaces valine 332 with isoleucine.
Molecular consequence: missense variant.
Genome position (GRCh38, 1-based): chr2:209,813,635, G>A. VCF-style: chr2-209813635-G-A. GRCh37 (hg19) VCF-style: chr2-210678359-G-A.
Other names: c.994G>A, p.Val332Ile (NM_032504.2, NM_182587.4); c.994G>A (NM_032504.1); short protein forms V332I.
Identifiers: ClinVar variation 1451059 (VCV001451059.4), dbSNP rs1005045171, ClinGen allele CA64664455.